The following is an entry in ClinVar:

ClinVar aggregate classification (germline): Uncertain significance (1 of 4 stars; one submission).

Conditions:
Charcot-Marie-Tooth disease axonal type 2O. Also called: CHARCOT-MARIE-TOOTH NEUROPATHY, AXONAL, TYPE 2O; CHARCOT-MARIE-TOOTH DISEASE, AXONAL, AUTOSOMAL DOMINANT, TYPE 2O; Charcot-Marie-Tooth Neuropathy Type 2O; Charcot-Marie-Tooth disease, axonal, type 20. Identifiers: Orphanet 284232, MedGen C3280220, MONDO:0013644, OMIM 614228.

Allele frequency attached by ClinVar (database versions not stated): gnomAD exomes below 0.00001.
gnomAD v4.1: 3 of 1,614,242 alleles (0.00019%); highest among the groups gnomAD compares: Non-Finnish European, 0.00025%; no homozygotes.

Submission:

Labcorp Genetics (formerly Invitae), Labcorp
Classification: Uncertain significance for Charcot-Marie-Tooth disease axonal type 2O. Last evaluated: 2022-10-07. Review status: criteria provided, single submitter. Criteria: Invitae Variant Classification Sherloc (09022015). Collection method: clinical testing. Allele origin: germline.
Comment: This sequence change affects codon 3980 of the DYNC1H1 mRNA. It is a 'silent' change, meaning that it does not change the encoded amino acid sequence of the DYNC1H1 protein. It affects a nucleotide within the consensus splice site. In summary, the available evidence is currently insufficient to determine the role of this variant in disease. Therefore, it has been classified as a Variant of Uncertain Significance. Algorithms developed to predict the effect of sequence changes on RNA splicing suggest that this variant is not likely to affect RNA splicing. This variant has not been reported in the literature in individuals affected with DYNC1H1-related conditions. This variant is not present in population databases (gnomAD no frequency).

NM_001376.5(DYNC1H1):c.11940A>G (p.Ala3980=)

Gene: DYNC1H1 (dynein cytoplasmic 1 heavy chain 1; plus strand). Cytogenetic location: 14q32.31.
Variant type: single nucleotide variant.
Coding change: c.11940A>G on transcript NM_001376.5 (MANE Select); coding-DNA position 11940, A replaced by G.
Protein change: p.Ala3980=; no amino-acid change (alanine 3980 retained).
Molecular consequence: synonymous variant.
Genome position (GRCh38, 1-based): chr14:102,040,672, A>G. VCF-style: chr14-102040672-A-G. GRCh37 (hg19) VCF-style: chr14-102507009-A-G.
Identifiers: ClinVar variation 2034518 (VCV002034518.4), dbSNP rs1284830107, ClinGen allele CA488186289.